The following is an entry in ClinVar:

ClinVar aggregate classification (germline): Likely benign (0 of 4 stars; one submission).

Conditions:
C2CD3-related disorder. Also called: C2CD3-related condition.

Allele frequency attached by ClinVar (database versions not stated): ExAC 0.00001; gnomAD 0.00001; TOPMed 0.00001.
gnomAD v4.1: 14 of 1,613,730 alleles (0.00087%); highest among the groups gnomAD compares: East Asian, 0.0022%; no homozygotes.

Submission:

PreventionGenetics, part of Exact Sciences
Classification: Likely benign for C2CD3-related condition. Last evaluated: 2021-08-04. Review status: no assertion criteria provided. Collection method: clinical testing. Allele origin: germline.
Comment: This variant is classified as likely benign based on ACMG/AMP sequence variant interpretation guidelines (Richards et al. 2015 PMID: 25741868, with internal and published modifications).

NM_001286577.2(C2CD3):c.282C>T (p.Tyr94=)

Gene: C2CD3 (C2 domain containing 3 centriole elongation regulator; minus strand). Cytogenetic location: 11q13.4.
Variant type: single nucleotide variant.
Coding change: c.282C>T on transcript NM_001286577.2 (MANE Select); coding-DNA position 282, C replaced by T.
Protein change: p.Tyr94=; no amino-acid change (tyrosine 94 retained).
Molecular consequence: synonymous variant.
Genome position (GRCh38, 1-based): chr11:74,168,387, G>A on the plus strand (C>T on the coding strand, the complement: C2CD3 is on the minus strand). VCF-style: chr11-74168387-G-A. GRCh37 (hg19) VCF-style: chr11-73879432-G-A.
Other names: c.282C>T, p.Tyr94= (NM_015531.6).
Identifiers: ClinVar variation 3037068 (VCV003037068.2), dbSNP rs780700994, ClinGen allele CA6183277.